The following is an entry in ClinVar:

ClinVar aggregate classification (germline): Uncertain significance. Review status: criteria provided, multiple submitters, no conflicts (2 of 4 stars). 3 submissions from 3 submitters: Uncertain significance (3). Last evaluated 2022-10-22.

Conditions:
Fanconi anemia complementation group P. Also called: SLX4-Related Fanconi Anemia. Identifiers: Orphanet 84, MedGen C3469542, MONDO:0013499, OMIM 613951.
Fanconi anemia (FA). Also called: Fanconi's anemia. Identifiers: Orphanet 84, MedGen C0015625, MeSH D005199, MONDO:0019391.

Allele frequency attached by ClinVar (database versions not stated): gnomAD 0.00001; TOPMed 0.00002; ESP Exome Variant Server 0.00008.

Submissions (3):

Labcorp Genetics (formerly Invitae), Labcorp
Classification: Uncertain significance for Fanconi anemia. Last evaluated: 2022-10-22. Review status: criteria provided, single submitter. Criteria: Invitae Variant Classification Sherloc (09022015). Collection method: clinical testing. Allele origin: germline.
Comment: This sequence change replaces serine, which is neutral and polar, with leucine, which is neutral and non-polar, at codon 659 of the SLX4 protein (p.Ser659Leu). This variant is present in population databases (rs372150541, gnomAD 0.003%). This variant has not been reported in the literature in individuals affected with SLX4-related conditions. ClinVar contains an entry for this variant (Variation ID: 319170). Algorithms developed to predict the effect of missense changes on protein structure and function (SIFT, PolyPhen-2, Align-GVGD) all suggest that this variant is likely to be tolerated. Algorithms developed to predict the effect of sequence changes on RNA splicing suggest that this variant may create or strengthen a splice site. In summary, the available evidence is currently insufficient to determine the role of this variant in disease. Therefore, it has been classified as a Variant of Uncertain Significance.

Fulgent Genetics
Classification: Uncertain significance for Fanconi anemia complementation group P. Last evaluated: 2021-10-18. Review status: criteria provided, single submitter. Criteria: ACMG Guidelines, 2015. Collection method: clinical testing. Allele origin: unknown.

Illumina Laboratory Services, Illumina
Classification: Uncertain significance for Fanconi anemia complementation group P. Last evaluated: 2018-01-13. Review status: criteria provided, single submitter. Criteria: ICSL Variant Classification Criteria 13 December 2019. Collection method: clinical testing. Allele origin: germline.

NM_032444.4(SLX4):c.1976C>T (p.Ser659Leu)

Gene: SLX4 (SLX4 structure-specific endonuclease subunit; minus strand). Cytogenetic location: 16p13.3.
Variant type: single nucleotide variant.
Coding change: c.1976C>T on transcript NM_032444.4 (MANE Select); coding-DNA position 1976, C replaced by T.
Protein change: p.Ser659Leu; replaces serine 659 with leucine.
Molecular consequence: missense variant.
Genome position (GRCh38, 1-based): chr16:3,595,642, G>A on the plus strand (C>T on the coding strand, the complement: SLX4 is on the minus strand). VCF-style: chr16-3595642-G-A. GRCh37 (hg19) VCF-style: chr16-3645643-G-A.
Other names: c.1976C>T (LRG_503t1); short protein forms S659L.
Identifiers: ClinVar variation 319170 (VCV000319170.7), dbSNP rs372150541, ClinGen allele CA7866346.
Genomic context (GRCh38, chr16:3,595,642, plus strand): 5'-CGCGGGCCAGAGCCAGTTCTTACCAAGGTGCGGCCGCCCCTGTCCGGGTGCTTGTCCTGC[G>A]ATGGCACCACAAACCCAGTCAGAGGAAGGCCGCCGGGCACCACGTCCAACCCTGAGTGGA-3'
Protein context (NP_115820.2, residues 649-669): GLPLTGFVVP[Ser659Leu]QDKHPDRGGR